The following is an entry in ClinVar:

ClinVar aggregate classification (germline): Benign (0 of 4 stars; one submission).

Conditions:
HFM1-related disorder. Also called: HFM1-related condition.

Allele frequency attached by ClinVar (database versions not stated): ESP Exome Variant Server 0.00016; TOPMed 0.00027; gnomAD 0.00097; gnomAD exomes 0.00145; 1000 Genomes Project 30x 0.00609; 1000 Genomes Project 0.00679; ExAC 0.00725.
gnomAD v4.1: 2,007 of 1,432,114 alleles (0.14%); highest among the groups gnomAD compares: South Asian, 2.6%; 54 homozygotes.

Submission:

PreventionGenetics, part of Exact Sciences
Classification: Benign for HFM1-related condition. Last evaluated: 2019-05-13. Review status: no assertion criteria provided. Collection method: clinical testing. Allele origin: germline.
Comment: This variant is classified as benign based on ACMG/AMP sequence variant interpretation guidelines (Richards et al. 2015 PMID: 25741868, with internal and published modifications).

NM_001017975.6(HFM1):c.2286A>G (p.Ser762=)

Gene: HFM1 (helicase for meiosis 1; minus strand). Cytogenetic location: 1p22.2.
Variant type: single nucleotide variant.
Coding change: c.2286A>G on transcript NM_001017975.6 (MANE Select); coding-DNA position 2286, A replaced by G.
Protein change: p.Ser762=; no amino-acid change (serine 762 retained).
Molecular consequence: synonymous variant.
Genome position (GRCh38, 1-based): chr1:91,343,479, T>C on the plus strand (A>G on the coding strand, the complement: HFM1 is on the minus strand). VCF-style: chr1-91343479-T-C. GRCh37 (hg19) VCF-style: chr1-91809036-T-C.
Identifiers: ClinVar variation 3042265 (VCV003042265.2), dbSNP rs148872247, ClinGen allele CA945981.
Genomic context (GRCh38, chr1:91,343,479, plus strand): 5'-TAAGAAATTACCAGTTGGTTTGAAATTAACACCTTCATCCATCTTTATTAAGTCCAGGGA[T>C]GATAAATCATTCAGATTCTTCAAACATAATTCTGTTTAATTATAGAAAACACATTTTAAT-3'
Protein context (NP_001017975.5, residues 752-772): ELCLKNLNDL[Ser762=]SLDLIKMDEG